The following is an entry in ClinVar:

ClinVar aggregate classification (germline): Uncertain significance (1 of 4 stars; one submission).

gnomAD v4.1: 3 of 1,613,608 alleles (0.00019%); no homozygotes.

Submission:

Women's Health and Genetics/Laboratory Corporation of America, LabCorp
Classification: Uncertain significance. Last evaluated: 2024-11-01. Review status: criteria provided, single submitter. Criteria: LabCorp Variant Classification Summary - May 2015. Collection method: clinical testing. Allele origin: germline.
Comment: Variant summary: RTTN c.2275T>G (p.Ser759Ala) results in a conservative amino acid change in the encoded protein sequence. Five of five in-silico tools predict a benign effect of the variant on protein function. The variant allele was found at a frequency of 8e-06 in 249042 control chromosomes. The available data on variant occurrences in the general population are insufficient to allow any conclusion about variant significance. To our knowledge, no occurrence of c.2275T>G in individuals affected with Microcephalic Primordial Dwarfism Due To RTTN Deficiency and no experimental evidence demonstrating its impact on protein function have been reported. No submitters have cited clinical-significance assessments for this variant to ClinVar. Based on the evidence outlined above, the variant was classified as uncertain significance.

NM_173630.4(RTTN):c.2275T>G (p.Ser759Ala)

Gene: RTTN (rotatin; minus strand). Cytogenetic location: 18q22.2.
Variant type: single nucleotide variant.
Coding change: c.2275T>G on transcript NM_173630.4 (MANE Select); coding-DNA position 2275, T replaced by G.
Protein change: p.Ser759Ala; replaces serine 759 with alanine.
Molecular consequence: missense variant. On other transcripts: 5 prime UTR variant (1).
Genome position (GRCh38, 1-based): chr18:70,148,935, A>C on the plus strand (T>G on the coding strand, the complement: RTTN is on the minus strand). VCF-style: chr18-70148935-A-C. GRCh37 (hg19) VCF-style: chr18-67816171-A-C.
Other names: c.-373T>G (NM_001318520.2); short protein forms S759A.
Identifiers: ClinVar variation 3629895 (VCV003629895.1).
Genomic context (GRCh38, chr18:70,148,935, plus strand): 5'-CGTTCACAAGATTACGTTGTACTCACGATGGCTTTTTCACTAGCAAAAGTCGCAGCATGG[A>C]CTTTAATCGGGTAGTACACGGAAGCATCTCTTCTGTGTCAGAACTTGCTTTGCTTAGAAG-3'
Protein context (NP_775901.3, residues 749-769): EMLPCTTRLK[Ser759Ala]MLRLLLVKKP